The following is an entry in ClinVar:

ClinVar aggregate classification (germline): Uncertain significance (1 of 4 stars; one submission).

Conditions:
Facioscapulohumeral muscular dystrophy 2 (FSHD2). Also called: MUSCULAR DYSTROPHY, FACIOSCAPULOHUMERAL, TYPE 1B; FACIOSCAPULOHUMERAL MUSCULAR DYSTROPHY 2, DIGENIC; FSHD2, DIGENIC. Identifiers: Orphanet 269, MedGen C1834671, MONDO:0008031, OMIM 158901.

gnomAD v4.1: 4 of 1,582,618 alleles (0.00025%); highest among the groups gnomAD compares: South Asian, 0.0023%; no homozygotes.

Submission:

Labcorp Genetics (formerly Invitae), Labcorp
Classification: Uncertain significance for Facioscapulohumeral muscular dystrophy 2. Last evaluated: 2025-09-23. Review status: criteria provided, single submitter. Criteria: Invitae Variant Classification Sherloc (09022015). Collection method: clinical testing. Allele origin: germline.
Comment: This sequence change replaces arginine, which is basic and polar, with cysteine, which is neutral and slightly polar, at codon 158 of the SMCHD1 protein (p.Arg158Cys). This variant is present in population databases (rs199543594, gnomAD 0.01%). This variant has not been reported in the literature in individuals affected with SMCHD1-related conditions. Invitae Evidence Modeling of protein sequence and biophysical properties (such as structural, functional, and spatial information, amino acid conservation, physicochemical variation, residue mobility, and thermodynamic stability) indicates that this missense variant is not expected to disrupt SMCHD1 protein function with a negative predictive value of 80%. In summary, the available evidence is currently insufficient to determine the role of this variant in disease. Therefore, it has been classified as a Variant of Uncertain Significance.

NM_015295.3(SMCHD1):c.472C>T (p.Arg158Cys)

Gene: SMCHD1 (structural maintenance of chromosomes flexible hinge domain containing 1; plus strand). Cytogenetic location: 18p11.32.
Variant type: single nucleotide variant.
Coding change: c.472C>T on transcript NM_015295.3 (MANE Select); coding-DNA position 472, C replaced by T.
Protein change: p.Arg158Cys; replaces arginine 158 with cysteine.
Molecular consequence: missense variant.
Genome position (GRCh38, 1-based): chr18:2,673,328, C>T. VCF-style: chr18-2673328-C-T. GRCh37 (hg19) VCF-style: chr18-2673327-C-T.
Other names: short protein forms R158C.
Identifiers: ClinVar variation 4734173 (VCV004734173.1).